The following is an entry in ClinVar:

ClinVar aggregate classification (germline): Pathogenic. Review status: criteria provided, multiple submitters, no conflicts (2 of 4 stars). 3 submissions from 3 submitters: Pathogenic (3). Last evaluated 2023-11-11.

Conditions:
Hereditary cancer-predisposing syndrome. Also called: Neoplastic Syndromes, Hereditary; Tumor predisposition; Hereditary neoplastic syndrome; Hereditary Cancer Syndrome. Identifiers: Orphanet 140162, MedGen C0027672, MeSH D009386, MONDO:0015356.
Hereditary breast ovarian cancer syndrome. Also called: Hereditary breast and ovarian cancer syndrome; Hereditary breast and ovarian cancer; Hereditary breast and ovarian cancer syndrome (HBOC); Breast and ovarian cancer; Hereditary breast and/or ovarian cancer syndrome; BRCA1- and BRCA2-Associated Hereditary Breast and Ovarian Cancer. Identifiers: Orphanet 145, MedGen C0677776, MeSH D061325, MONDO:0003582. Disease mechanism: loss of function.

Submissions (3):

Labcorp Genetics (formerly Invitae), Labcorp
Classification: Pathogenic for Hereditary breast ovarian cancer syndrome. Last evaluated: 2023-11-11. Review status: criteria provided, single submitter. Criteria: Invitae Variant Classification Sherloc (09022015). Collection method: clinical testing. Allele origin: germline.
Comment: This sequence change creates a premature translational stop signal (p.Glu1511*) in the BRCA2 gene. It is expected to result in an absent or disrupted protein product. Loss-of-function variants in BRCA2 are known to be pathogenic (PMID: 20104584). This variant is not present in population databases (gnomAD no frequency). This variant has not been reported in the literature in individuals affected with BRCA2-related conditions. ClinVar contains an entry for this variant (Variation ID: 824980). For these reasons, this variant has been classified as Pathogenic.

GeneDx
Classification: Pathogenic. Last evaluated: 2023-07-21. Review status: criteria provided, single submitter. Criteria: GeneDx Variant Classification Process June 2021. Collection method: clinical testing. Allele origin: germline. Affected: yes.
Comment: Nonsense variant predicted to result in protein truncation or nonsense mediated decay in a gene for which loss of function is a known mechanism of disease; Not observed at significant frequency in large population cohorts (gnomAD); Truncating variants in this gene are considered pathogenic by a well-established clinical consortium and/or database; Has not been previously published as pathogenic or benign to our knowledge; Also known as 4759G>T; This variant is associated with the following publications: (PMID: 29884841, 32377563)

Ambry Genetics
Classification: Pathogenic for Hereditary cancer-predisposing syndrome. Last evaluated: 2019-08-28. Review status: criteria provided, single submitter. Criteria: Ambry Variant Classification Scheme 2023. Collection method: clinical testing. Allele origin: germline.
Comment: The p.E1511* pathogenic mutation (also known as c.4531G>T), located in coding exon 10 of the BRCA2 gene, results from a G to T substitution at nucleotide position 4531. This changes the amino acid from a glutamic acid to a stop codon within coding exon 10. This alteration is expected to result in loss of function by premature protein truncation or nonsense-mediated mRNA decay. As such, this alteration is interpreted as a disease-causing mutation.

Literature cited by the submitters: PubMed 20104584 (cited by Labcorp Genetics (formerly Invitae), Labcorp).

NM_000059.4(BRCA2):c.4531G>T (p.Glu1511Ter)

Gene: BRCA2 (BRCA2 DNA repair associated; plus strand). Cytogenetic location: 13q13.1.
Variant type: single nucleotide variant.
Coding change: c.4531G>T on transcript NM_000059.4 (MANE Select); coding-DNA position 4531, G replaced by T.
Protein change: p.Glu1511Ter; replaces glutamic acid 1511 with a stop codon.
Molecular consequence: nonsense.
Genome position (GRCh38, 1-based): chr13:32,338,886, G>T. VCF-style: chr13-32338886-G-T. GRCh37 (hg19) VCF-style: chr13-32913023-G-T.
Other names: short protein forms E1511*.
Identifiers: ClinVar variation 824980 (VCV000824980.8), dbSNP rs376338226, ClinGen allele CA387781702.